The following is an entry in ClinVar:

ClinVar aggregate classification (germline): Uncertain significance (1 of 4 stars; one submission).

Submission:

Labcorp Genetics (formerly Invitae), Labcorp
Classification: Uncertain significance. Last evaluated: 2025-03-16. Review status: criteria provided, single submitter. Criteria: Invitae Variant Classification Sherloc (09022015). Collection method: clinical testing. Allele origin: germline.
Comment: This variant occurs in a non-coding region of the COL4A1 gene. It does not change the encoded amino acid sequence of the COL4A1 protein. This variant is not present in population databases (gnomAD no frequency). This variant has not been reported in the literature in individuals affected with COL4A1-related conditions. In summary, the available evidence is currently insufficient to determine the role of this variant in disease. Therefore, it has been classified as a Variant of Uncertain Significance.

NM_001845.6(COL4A1):c.*32G>C

Gene: COL4A1 (collagen type IV alpha 1 chain; minus strand). Cytogenetic location: 13q34.
Variant type: single nucleotide variant.
Coding change: c.*32G>C on transcript NM_001845.6 (MANE Select); 32 bases downstream of the stop codon, G replaced by C.
Molecular consequence: 3 prime UTR variant.
Genome position (GRCh38, 1-based): chr13:110,150,331, C>G on the plus strand (G>C on the coding strand, the complement: COL4A1 is on the minus strand). VCF-style: chr13-110150331-C-G. GRCh37 (hg19) VCF-style: chr13-110802678-C-G.
Identifiers: ClinVar variation 4715167 (VCV004715167.1).